The following is an entry in ClinVar:

NM_001370259.2(MEN1):c.316T>C (p.Tyr106His)

Gene: MEN1 (menin 1; minus strand). Cytogenetic location: 11q13.1.
Variant type: single nucleotide variant.
Coding change: c.316T>C on transcript NM_001370259.2 (MANE Select); coding-DNA position 316, T replaced by C.
Protein change: p.Tyr106His; replaces tyrosine 106 with histidine.
Molecular consequence: missense variant. On other transcripts: non-coding transcript variant (4).
Genome position (GRCh38, 1-based): chr11:64,809,794, A>G on the plus strand (T>C on the coding strand, the complement: MEN1 is on the minus strand). VCF-style: chr11-64809794-A-G. GRCh37 (hg19) VCF-style: chr11-64577266-A-G.
Other names: c.316T>C, p.Tyr106His (NM_000244.4, NM_001370251.2, NM_001407147.1 and 20 more transcripts); short protein forms Y106H.
Identifiers: ClinVar variation 2744694 (VCV002744694.5), dbSNP rs1941989449, ClinGen allele CA381187422.

ClinVar aggregate classification (germline): Uncertain significance. Review status: criteria provided, multiple submitters, no conflicts (2 of 4 stars). 2 submissions from 2 submitters: Uncertain significance (2). Last evaluated 2026-08-07.

Conditions:
Multiple endocrine neoplasia, type 1 (MEN1). Also called: MEA I; MEN I; WERMER SYNDROME; Endocrine adenomatosis multiple; MEN 1. Identifiers: Orphanet 652, MedGen C0025267, MeSH D018761, MONDO:0007540, OMIM 131100.
Hereditary cancer-predisposing syndrome. Also called: Hereditary Cancer Syndrome; Hereditary neoplastic syndrome; Neoplastic Syndromes, Hereditary; Tumor predisposition. Identifiers: Orphanet 140162, MedGen C0027672, MeSH D009386, MONDO:0015356.

Allele frequency attached by ClinVar (database versions not stated): gnomAD exomes below 0.00001; gnomAD 0.00001.

Submissions (2):

Ambry Genetics
Classification: Uncertain significance for Hereditary cancer-predisposing syndrome. Last evaluated: 2026-08-07. Review status: criteria provided, single submitter. Criteria: Ambry Variant Classification Scheme 2023. Collection method: clinical testing. Allele origin: germline.
Comment: The p.Y106H variant (also known as c.316T>C), located in coding exon 1 of the MEN1 gene, results from a T to C substitution at nucleotide position 316. The tyrosine at codon 106 is replaced by histidine, an amino acid with similar properties. This amino acid position is highly conserved in available vertebrate species. In addition, this alteration is predicted to be deleterious by in silico analysis. Based on the available evidence, the clinical significance of this variant remains unclear.

Labcorp Genetics (formerly Invitae), Labcorp
Classification: Uncertain significance for Multiple endocrine neoplasia, type 1. Last evaluated: 2025-05-05. Review status: criteria provided, single submitter. Criteria: Invitae Variant Classification Sherloc (09022015). Collection method: clinical testing. Allele origin: germline.
Comment: This sequence change replaces tyrosine, which is neutral and polar, with histidine, which is basic and polar, at codon 106 of the MEN1 protein (p.Tyr106His). This variant is not present in population databases (gnomAD no frequency). This variant has not been reported in the literature in individuals affected with MEN1-related conditions. ClinVar contains an entry for this variant (Variation ID: 2744694). Invitae Evidence Modeling of protein sequence and biophysical properties (such as structural, functional, and spatial information, amino acid conservation, physicochemical variation, residue mobility, and thermodynamic stability) has been performed for this missense variant. However, the output from this modeling did not meet the statistical confidence thresholds required to predict the impact of this variant on MEN1 protein function. In summary, the available evidence is currently insufficient to determine the role of this variant in disease. Therefore, it has been classified as a Variant of Uncertain Significance.